The following is an entry in ClinVar:

ClinVar aggregate classification (germline): Conflicting classifications of pathogenicity. Review status: criteria provided, conflicting classifications (1 of 4 stars). 2 submissions from 2 submitters: Likely pathogenic (1); Uncertain significance (1). Last evaluated 2024-09-04.

Conditions:
Pseudoachondroplastic spondyloepiphyseal dysplasia syndrome (PSACH). Also called: COMP-Related Pseudoachondroplasia; PSEUDOACHONDROPLASTIC DYSPLASIA; Pseudoachondroplasia. Identifiers: Orphanet 750, MedGen C0410538, MONDO:0008322, OMIM 177170.
Multiple epiphyseal dysplasia type 1. Also called: COMP-Related Multiple Epiphyseal Dysplasia. Identifiers: Orphanet 93308, MedGen C1838280, MONDO:0007561, OMIM 132400.

Submissions (2):

GeneDx
Classification: Uncertain significance. Last evaluated: 2024-09-04. Review status: criteria provided, single submitter. Criteria: GeneDx Variant Classification Process June 2021. Collection method: clinical testing. Allele origin: germline. Affected: yes.
Comment: Not observed at significant frequency in large population cohorts (gnomAD); In silico analysis supports that this missense variant has a deleterious effect on protein structure/function; Has not been previously published as pathogenic or benign to our knowledge

University of Washington Department of Laboratory Medicine, University of Washington
Classification: Likely pathogenic for Pseudoachondroplastic spondyloepiphyseal dysplasia syndrome; Multiple epiphyseal dysplasia type 1. Last evaluated: 2021-07-12. Review status: criteria provided, single submitter. Criteria: ACMG Guidelines, 2015. Collection method: clinical testing. Allele origin: unknown. Affected: yes.
Comment: The p.Cys484Ser variant in the COMP gene has not been previously reported in association with disease and was absent from large population databases, including the Genome Aggregation Database. However, a different amino acid change at this residue (p.Cys484Gly) has been previously reported in two individuals with psudoachondroplasia and one individual with multiple epiphyseal dysplasia (Mabuchi 2003, Carlson 2005, Donkervoort 2013). This residue is located in a calcium-binding thrombospondin type 3 repeat domain and creates a disulfide bond important for protein secondary structure (Tan 2009). In silico tools predict that the p.Cys484Ser variant is deleterious; however, these predictions have not been tested directly. Using ACMG guidelines, this variant was classified as likely pathogenic for autosomal dominant multiple epiphyseal dysplasia (ACMG evidence codes used: PM1, PM5, PM2_supporting, PP3).

NM_000095.3(COMP):c.1450T>A (p.Cys484Ser)

Gene: COMP (cartilage oligomeric matrix protein; minus strand). Cytogenetic location: 19p13.11.
Variant type: single nucleotide variant.
Coding change: c.1450T>A on transcript NM_000095.3 (MANE Select); coding-DNA position 1450, T replaced by A.
Protein change: p.Cys484Ser; replaces cysteine 484 with serine.
Molecular consequence: missense variant.
Genome position (GRCh38, 1-based): chr19:18,786,004, A>T on the plus strand (T>A on the coding strand, the complement: COMP is on the minus strand). VCF-style: chr19-18786004-A-T. GRCh37 (hg19) VCF-style: chr19-18896814-A-T.
Other names: short protein forms C484S.
Identifiers: ClinVar variation 3767566 (VCV003767566.2).